The following is an entry in ClinVar:

NM_000718.4(CACNA1B):c.3755T>C (p.Val1252Ala)

Gene: CACNA1B (calcium voltage-gated channel subunit alpha1 B; plus strand). Cytogenetic location: 9q34.3.
Variant type: single nucleotide variant.
Coding change: c.3755T>C on transcript NM_000718.4 (MANE Select); coding-DNA position 3755, T replaced by C.
Protein change: p.Val1252Ala; replaces valine 1252 with alanine.
Molecular consequence: missense variant.
Genome position (GRCh38, 1-based): chr9:138,052,136, T>C. VCF-style: chr9-138052136-T-C. GRCh37 (hg19) VCF-style: chr9-140946588-T-C.
Other names: c.3755T>C, p.Val1252Ala (NM_001243812.2); short protein forms V1252A.
Identifiers: ClinVar variation 3369191 (VCV003369191.2).

ClinVar aggregate classification (germline): Uncertain significance. Review status: criteria provided, multiple submitters, no conflicts (2 of 4 stars). 2 submissions from 2 submitters: Uncertain significance (2). Last evaluated 2025-11-20.

gnomAD v4.1: 7 of 1,612,466 alleles (0.00043%); highest among the groups gnomAD compares: Non-Finnish European, 0.00059%; no homozygotes.

Submissions (2):

Ambry Genetics
Classification: Uncertain significance. Last evaluated: 2025-11-20. Review status: criteria provided, single submitter. Criteria: Ambry Variant Classification Scheme 2023. Collection method: clinical testing. Allele origin: germline.

GeneDx
Classification: Uncertain significance. Last evaluated: 2024-02-15. Review status: criteria provided, single submitter. Criteria: GeneDx Variant Classification Process June 2021. Collection method: clinical testing. Allele origin: germline. Affected: yes.
Comment: In silico analysis supports that this missense variant has a deleterious effect on protein structure/function; Has not been previously published as pathogenic or benign to our knowledge; Variants in candidate genes are classified as variants of uncertain significance in accordance with ACMG guidelines (PMID: 25741868)